The following is an entry in ClinVar:

NM_032242.4(PLXNA1):c.2474G>A (p.Arg825His)

Gene: PLXNA1 (plexin A1; plus strand). Cytogenetic location: 3q21.3.
Variant type: single nucleotide variant.
Coding change: c.2474G>A on transcript NM_032242.4 (MANE Select); coding-DNA position 2474, G replaced by A.
Protein change: p.Arg825His; replaces arginine 825 with histidine.
Molecular consequence: missense variant.
Genome position (GRCh38, 1-based): chr3:127,014,245, G>A. VCF-style: chr3-127014245-G-A. GRCh37 (hg19) VCF-style: chr3-126733088-G-A.
Other names: c.2474G>A (NM_032242.3); short protein forms R825H.
Identifiers: ClinVar variation 2187979 (VCV002187979.5), dbSNP rs369081095, ClinGen allele CA2593641.
Genomic context (GRCh38, chr3:127,014,245, plus strand): 5'-ACCTCTACAAGTGCCCGGCCCTGCGCGAGAGCTGCGGCCTCTGCCTCAAGGCCGACCCGC[G>A]CTTCGAGTGCGGATGGTGCGTGGCCGAGCGCCGCTGCTCCCTGCGACACCACTGCGCTGC-3'
Protein context (NP_115618.3, residues 815-835): SCGLCLKADP[Arg825His]FECGWCVAER

ClinVar aggregate classification (germline): Uncertain significance. Review status: criteria provided, single submitter (1 of 4 stars). 2 submissions from 2 submitters: Uncertain significance (1). 1 of the submissions does not count toward it. Last evaluated 2022-05-28.

Conditions:
PLXNA1-related disorder. Also called: PLXNA1-related condition.

Allele frequency attached by ClinVar (database versions not stated): gnomAD 0.00003; TOPMed 0.00003; ExAC 0.00006; ESP Exome Variant Server 0.00016.
gnomAD v4.1: 90 of 1,602,256 alleles (0.0056%); highest among the groups gnomAD compares: Non-Finnish European, 0.0071%; no homozygotes.

Submissions (2):

Labcorp Genetics (formerly Invitae), Labcorp
Classification: Uncertain significance. Last evaluated: 2022-05-28. Review status: criteria provided, single submitter. Criteria: Invitae Variant Classification Sherloc (09022015). Collection method: clinical testing. Allele origin: germline.
Comment: This sequence change replaces arginine, which is basic and polar, with histidine, which is basic and polar, at codon 825 of the PLXNA1 protein (p.Arg825His). This variant is present in population databases (rs369081095, gnomAD 0.008%). This variant has not been reported in the literature in individuals affected with PLXNA1-related conditions. Algorithms developed to predict the effect of missense changes on protein structure and function output the following: SIFT: "Deleterious"; PolyPhen-2: "Possibly Damaging"; Align-GVGD: "Class C0". The histidine amino acid residue is found in multiple mammalian species, which suggests that this missense change does not adversely affect protein function. In summary, the available evidence is currently insufficient to determine the role of this variant in disease. Therefore, it has been classified as a Variant of Uncertain Significance.

PreventionGenetics, part of Exact Sciences
Classification: Uncertain significance for PLXNA1-related condition. Last evaluated: 2024-09-03. Review status: no assertion criteria provided. Collection method: clinical testing. Allele origin: germline. Not counted in ClinVar's aggregate classification.
Comment: The PLXNA1 c.2474G>A variant is predicted to result in the amino acid substitution p.Arg825His. To our knowledge, this variant has not been reported in the literature. This variant is reported in 0.0080% of alleles in individuals of European (Non-Finnish) descent in gnomAD. At this time, the clinical significance of this variant is uncertain due to the absence of conclusive functional and genetic evidence.